The following is an entry in ClinVar:

NM_015040.4(PIKFYVE):c.1607A>C (p.His536Pro)

Gene: PIKFYVE (phosphoinositide kinase, FYVE-type zinc finger containing; plus strand). Cytogenetic location: 2q34.
Variant type: single nucleotide variant.
Coding change: c.1607A>C on transcript NM_015040.4 (MANE Select); coding-DNA position 1607, A replaced by C.
Protein change: p.His536Pro; replaces histidine 536 with proline.
Molecular consequence: missense variant.
Genome position (GRCh38, 1-based): chr2:208,304,984, A>C. VCF-style: chr2-208304984-A-C. GRCh37 (hg19) VCF-style: chr2-209169708-A-C.
Other names: c.1607A>C, p.His536Pro (NM_001178000.2); c.1316A>C, p.His439Pro (NM_152671.4); short protein forms H536P, H439P.
Identifiers: ClinVar variation 4696072 (VCV004696072.1).
Genomic context (GRCh38, chr2:208,304,984, plus strand): 5'-GCCTGAACGTGGAGCTGGACAACGTGAACTTCCATATCAAGAAGCCCTCCAAGTACCCAC[A>C]TGTGCCCCCTCACCCTGCTGACCAAAAAGGTAGGAGGTAGTCACCATCTGGAATCCAAAC-3'
Protein context (NP_055855.2, residues 526-546): FHIKKPSKYP[His536Pro]VPPHPADQKE

ClinVar aggregate classification (germline): Uncertain significance (1 of 4 stars; one submission).

gnomAD v4.1: 75 of 1,613,996 alleles (0.0046%); highest among the groups gnomAD compares: Non-Finnish European, 0.0058%; no homozygotes.

Submission:

Labcorp Genetics (formerly Invitae), Labcorp
Classification: Uncertain significance. Last evaluated: 2026-01-13. Review status: criteria provided, single submitter. Criteria: Invitae Variant Classification Sherloc (09022015). Collection method: clinical testing. Allele origin: germline.
Comment: This sequence change replaces histidine, which is basic and polar, with proline, which is neutral and non-polar, at codon 536 of the PIKFYVE protein (p.His536Pro). This variant is present in population databases (rs148337219, gnomAD 0.004%). This variant has not been reported in the literature in individuals affected with PIKFYVE-related conditions. An algorithm developed to predict the effect of missense changes on protein structure and function (PolyPhen-2) suggests that this variant is likely to be disruptive. In summary, the available evidence is currently insufficient to determine the role of this variant in disease. Therefore, it has been classified as a Variant of Uncertain Significance.